The following is an entry in ClinVar:

NM_004565.3(PEX14):c.460G>C (p.Glu154Gln)

Gene: PEX14 (peroxisomal biogenesis factor 14; plus strand). Cytogenetic location: 1p36.22.
Variant type: single nucleotide variant.
Coding change: c.460G>C on transcript NM_004565.3 (MANE Select); coding-DNA position 460, G replaced by C.
Protein change: p.Glu154Gln; replaces glutamic acid 154 with glutamine.
Molecular consequence: missense variant.
Genome position (GRCh38, 1-based): chr1:10,623,094, G>C. VCF-style: chr1-10623094-G-C. GRCh37 (hg19) VCF-style: chr1-10683151-G-C.
Other names: short protein forms E154Q.
Identifiers: ClinVar variation 3664386 (VCV003664386.2).

ClinVar aggregate classification (germline): Uncertain significance (1 of 4 stars; one submission).

Conditions:
Peroxisome biogenesis disorder, complementation group K (CGK). Identifiers: MedGen C1866257, MONDO:0800365.

Submission:

Labcorp Genetics (formerly Invitae), Labcorp
Classification: Uncertain significance for Peroxisome biogenesis disorder, complementation group K. Last evaluated: 2024-10-05. Review status: criteria provided, single submitter. Criteria: Invitae Variant Classification Sherloc (09022015). Collection method: clinical testing. Allele origin: germline.
Comment: This sequence change replaces glutamic acid, which is acidic and polar, with glutamine, which is neutral and polar, at codon 154 of the PEX14 protein (p.Glu154Gln). This variant is not present in population databases (gnomAD no frequency). This variant has not been reported in the literature in individuals affected with PEX14-related conditions. Invitae Evidence Modeling of protein sequence and biophysical properties (such as structural, functional, and spatial information, amino acid conservation, physicochemical variation, residue mobility, and thermodynamic stability) indicates that this missense variant is not expected to disrupt PEX14 protein function with a negative predictive value of 80%. In summary, the available evidence is currently insufficient to determine the role of this variant in disease. Therefore, it has been classified as a Variant of Uncertain Significance.